The following is an entry in ClinVar:

ClinVar aggregate classification (germline): Uncertain significance (1 of 4 stars; one submission).

Submission:

Labcorp Genetics (formerly Invitae), Labcorp
Classification: Uncertain significance. Last evaluated: 2024-08-31. Review status: criteria provided, single submitter. Criteria: Invitae Variant Classification Sherloc (09022015). Collection method: clinical testing. Allele origin: germline.
Comment: This sequence change replaces arginine, which is basic and polar, with cysteine, which is neutral and slightly polar, at codon 295 of the TSEN54 protein (p.Arg295Cys). This variant is not present in population databases (gnomAD no frequency). This variant has not been reported in the literature in individuals affected with TSEN54-related conditions. Invitae Evidence Modeling of protein sequence and biophysical properties (such as structural, functional, and spatial information, amino acid conservation, physicochemical variation, residue mobility, and thermodynamic stability) indicates that this missense variant is not expected to disrupt TSEN54 protein function with a negative predictive value of 80%. In summary, the available evidence is currently insufficient to determine the role of this variant in disease. Therefore, it has been classified as a Variant of Uncertain Significance.

NM_207346.3(TSEN54):c.883C>T (p.Arg295Cys)

Gene: TSEN54 (tRNA splicing endonuclease subunit 54; plus strand). Cytogenetic location: 17q25.1.
Variant type: single nucleotide variant.
Coding change: c.883C>T on transcript NM_207346.3 (MANE Select); coding-DNA position 883, C replaced by T.
Protein change: p.Arg295Cys; replaces arginine 295 with cysteine.
Molecular consequence: missense variant.
Genome position (GRCh38, 1-based): chr17:75,521,964, C>T. VCF-style: chr17-75521964-C-T. GRCh37 (hg19) VCF-style: chr17-73518045-C-T.
Other names: short protein forms R295C.
Identifiers: ClinVar variation 3688953 (VCV003688953.2).